The following is an entry in ClinVar:

NM_145868.2(ANXA11):c.548T>C (p.Val183Ala)

Gene: ANXA11 (annexin A11; minus strand). Cytogenetic location: 10q22.3.
Variant type: single nucleotide variant.
Coding change: c.548T>C on transcript NM_145868.2 (MANE Select); coding-DNA position 548, T replaced by C.
Protein change: p.Val183Ala; replaces valine 183 with alanine.
Molecular consequence: missense variant.
Genome position (GRCh38, 1-based): chr10:80,168,982, A>G on the plus strand (T>C on the coding strand, the complement: ANXA11 is on the minus strand). VCF-style: chr10-80168982-A-G. GRCh37 (hg19) VCF-style: chr10-81928738-A-G.
Other names: c.548T>C, p.Val183Ala (NM_001157.3, NM_001278407.2, NM_001278408.2 and 1 more transcripts); c.449T>C, p.Val150Ala (NM_001278409.2); short protein forms V150A, V183A.
Identifiers: ClinVar variation 1494473 (VCV001494473.6), dbSNP rs1019073776, ClinGen allele CA210332489.

ClinVar aggregate classification (germline): Uncertain significance (1 of 4 stars; one submission).

Allele frequency attached by ClinVar (database versions not stated): gnomAD exomes 0.00001; TOPMed 0.00001; gnomAD 0.00002.
gnomAD v4.1: 12 of 1,535,264 alleles (0.00078%); highest among the groups gnomAD compares: Middle Eastern, 0.019%; no homozygotes.

Submission:

Labcorp Genetics (formerly Invitae), Labcorp
Classification: Uncertain significance. Last evaluated: 2024-01-04. Review status: criteria provided, single submitter. Criteria: Invitae Variant Classification Sherloc (09022015). Collection method: clinical testing. Allele origin: germline.
Comment: This sequence change replaces valine, which is neutral and non-polar, with alanine, which is neutral and non-polar, at codon 183 of the ANXA11 protein (p.Val183Ala). This variant is present in population databases (no rsID available, gnomAD 0.001%). This variant has not been reported in the literature in individuals affected with ANXA11-related conditions. ClinVar contains an entry for this variant (Variation ID: 1494473). An algorithm developed to predict the effect of missense changes on protein structure and function (PolyPhen-2) suggests that this variant is likely to be tolerated. In summary, the available evidence is currently insufficient to determine the role of this variant in disease. Therefore, it has been classified as a Variant of Uncertain Significance.